The following is an entry in ClinVar:

ClinVar aggregate classification (germline): Uncertain significance (1 of 4 stars; one submission).

Submission:

GeneDx
Classification: Uncertain significance. Last evaluated: 2026-02-04. Review status: criteria provided, single submitter. Criteria: GeneDx Variant Classification Process June 2021. Collection method: clinical testing. Allele origin: germline.
Comment: Not observed at significant frequency in large population cohorts (gnomAD); In silico analysis supports that this missense variant has a deleterious effect on protein structure/function; Has not been previously published as pathogenic or benign to our knowledge; This variant is associated with the following publications: (PMID: 32102377)

NM_001134407.3(GRIN2A):c.551T>C (p.Ile184Thr)

Gene: GRIN2A (glutamate ionotropic receptor NMDA type subunit 2A; minus strand). Cytogenetic location: 16p13.2.
Variant type: single nucleotide variant.
Coding change: c.551T>C on transcript NM_001134407.3 (MANE Select); coding-DNA position 551, T replaced by C.
Protein change: p.Ile184Thr; replaces isoleucine 184 with threonine.
Molecular consequence: missense variant.
Genome position (GRCh38, 1-based): chr16:9,938,415, A>G on the plus strand (T>C on the coding strand, the complement: GRIN2A is on the minus strand). VCF-style: chr16-9938415-A-G. GRCh37 (hg19) VCF-style: chr16-10032272-A-G.
Other names: c.551T>C, p.Ile184Thr (NM_000833.5, NM_001134408.2); short protein forms I184T.
Identifiers: ClinVar variation 4975588 (VCV004975588.1).